The following is an entry in ClinVar:

NM_024334.3(TMEM43):c.193G>T (p.Ala65Ser)

Gene: TMEM43 (transmembrane protein 43; plus strand). Cytogenetic location: 3p25.1.
Variant type: single nucleotide variant.
Coding change: c.193G>T on transcript NM_024334.3 (MANE Select); coding-DNA position 193, G replaced by T.
Protein change: p.Ala65Ser; replaces alanine 65 with serine.
Molecular consequence: missense variant.
Genome position (GRCh38, 1-based): chr3:14,130,852, G>T. VCF-style: chr3-14130852-G-T. GRCh37 (hg19) VCF-style: chr3-14172352-G-T.
Other names: short protein forms A65S.
Identifiers: ClinVar variation 922398 (VCV000922398.4), dbSNP rs1695084511, ClinGen allele CA351534542.

ClinVar aggregate classification (germline): Uncertain significance (1 of 4 stars; one submission).

Conditions:
Cardiomyopathy (CMYO). Also called: Cardiomyopathies. Identifiers: Orphanet 167848, MedGen C0878544, MONDO:0004994, HP:0001638. Inheritance: Various modes of inheritance.

Submission:

Color Diagnostics, LLC DBA Color Health
Classification: Uncertain significance for Cardiomyopathy. Last evaluated: 2024-03-06. Review status: criteria provided, single submitter. Criteria: ACMG Guidelines, 2015. Collection method: clinical testing. Allele origin: germline.
Comment: This missense variant replaces alanine with serine at codon 65 of the TMEM43 protein. Computational prediction suggests that this variant may not impact protein structure and function (internally defined REVEL score threshold <= 0.5, PMID: 27666373). Splice site prediction tools suggest that this variant may not impact RNA splicing. To our knowledge, functional studies have not been performed for this variant. This variant has not been reported in individuals affected with cardiovascular disorders in the literature. This variant has not been identified in the general population by the Genome Aggregation Database (gnomAD). The available evidence is insufficient to determine the role of this variant in disease conclusively. Therefore, this variant is classified as a Variant of Uncertain Significance.